The following is an entry in ClinVar:

NM_000271.5(NPC1):c.2519C>A (p.Ala840Glu)

Gene: NPC1 (NPC intracellular cholesterol transporter 1; minus strand). Cytogenetic location: 18q11.2.
Variant type: single nucleotide variant.
Coding change: c.2519C>A on transcript NM_000271.5 (MANE Select); coding-DNA position 2519, C replaced by A.
Protein change: p.Ala840Glu; replaces alanine 840 with glutamic acid.
Molecular consequence: missense variant.
Genome position (GRCh38, 1-based): chr18:23,540,533, G>T on the plus strand (C>A on the coding strand, the complement: NPC1 is on the minus strand). VCF-style: chr18-23540533-G-T. GRCh37 (hg19) VCF-style: chr18-21120497-G-T.
Other names: short protein forms A840E.
Identifiers: ClinVar variation 1339060 (VCV001339060.2), dbSNP rs2145378239, ClinGen allele CA401793243.

ClinVar aggregate classification (germline): Likely pathogenic (1 of 4 stars; one submission).

Conditions:
Niemann-Pick disease, type C1. Also called: NEUROVISCERAL STORAGE DISEASE WITH VERTICAL SUPRANUCLEAR OPHTHALMOPLEGIA; NIEMANN-PICK DISEASE WITH CHOLESTEROL ESTERIFICATION BLOCK; NIEMANN-PICK DISEASE WITHOUT SPHINGOMYELINASE DEFICIENCY; NIEMANN-PICK DISEASE, CHRONIC NEURONOPATHIC FORM; NIEMANN-PICK DISEASE, VARIANT TYPE C1. Identifiers: Orphanet 646, MedGen C3179455, MONDO:0009757, OMIM 257220.

Submission:

Neuberg Centre For Genomic Medicine, NCGM
Classification: Likely pathogenic for Niemann-Pick disease, type C1. Review status: criteria provided, single submitter. Criteria: ACMG Guidelines, 2015. Collection method: clinical testing. Allele origin: germline. Affected: yes.
Comment: The missense variant p.A840E in NPC1 (NM_000271.5) has not been reported previously as a pathogenic variant nor as a benign variant, to our knowledge. The varian thas been reported in homozygous state in three affected patients with Niemann Pick disease within our internal database. The p.A840E variant is novel (not in any individuals) in gnomAD Exomes and is novel (not in any individuals) in 1000 Genomes. The p.A840E missense variant is predicted to be damaging by both SIFT and PolyPhen2. The nucleotide c.2519 in NPC1 is predicted conserved by GERP++ and PhyloP across 100 vertebrates. For these reasons, this variant has been classified as Likely Pathogenic.